The following is an entry in ClinVar:

ClinVar aggregate classification (germline): Pathogenic (1 of 4 stars; one submission).

Conditions:
Aniridia 1 (AN1). Identifiers: Orphanet 250923, MedGen C0344542, MONDO:0024507, OMIM 106210.
Irido-corneo-trabecular dysgenesis (ASGD5). Also called: ANTERIOR SEGMENT DYSGENESIS 5. Identifiers: Orphanet 708, MedGen C0344559, MONDO:0011414, OMIM 604229, HP:0000659.

Submission:

Labcorp Genetics (formerly Invitae), Labcorp
Classification: Pathogenic for Aniridia 1; Irido-corneo-trabecular dysgenesis. Last evaluated: 2023-01-19. Review status: criteria provided, single submitter. Criteria: Invitae Variant Classification Sherloc (09022015). Collection method: clinical testing. Allele origin: unknown.
Comment: For these reasons, this variant has been classified as Pathogenic. A similar copy number variant has been observed in individual(s) with clinical features of aniridia (Invitae). This variant is a gross deletion of the genomic region encompassing exon(s) 12-13 of the PAX6 gene, which includes the termination codon. This deletion extends beyond the assayed region for this gene and therefore may encompass additional genes. While this deletion is not anticipated to lead to nonsense mediated decay, it is expected to alter mRNA translation or result in a truncated protein product.

NC_000011.9:g.(?_31809861)_(31814853_?)del

Gene: PAX6 (paired box 6; minus strand). Cytogenetic location: 11p13.
Variant type: Deletion.
Identifiers: ClinVar variation 3244587 (VCV003244587.1).